The following is an entry in ClinVar:

ClinVar aggregate classification (germline): Uncertain significance (1 of 4 stars; one submission).

Conditions:
Inborn genetic diseases. Identifiers: MedGen C0950123, MeSH D030342.

gnomAD v4.1: 1 of 1,613,028 alleles (0.000062%); highest among the groups gnomAD compares: Non-Finnish European, 0.000085%; no homozygotes.

Submission:

Ambry Genetics
Classification: Uncertain significance for Inborn genetic diseases. Last evaluated: 2024-03-27. Review status: criteria provided, single submitter. Criteria: Ambry Variant Classification Scheme 2023. Collection method: clinical testing. Allele origin: germline.
Comment: The p.T307S variant (also known as c.920C>G), located in coding exon 8 of the ACD gene, results from a C to G substitution at nucleotide position 920. The threonine at codon 307 is replaced by serine, an amino acid with similar properties. This amino acid position is conserved. In addition, this alteration is predicted to be tolerated by in silico analysis. Based on the available evidence, the clinical significance of this alteration remains unclear.

NM_001082486.2(ACD):c.662C>G (p.Thr221Ser)

Gene: ACD (ACD shelterin complex subunit and telomerase recruitment factor; minus strand). Cytogenetic location: 16q22.1.
Variant type: single nucleotide variant.
Coding change: c.662C>G on transcript NM_001082486.2 (MANE Select); coding-DNA position 662, C replaced by G.
Protein change: p.Thr221Ser; replaces threonine 221 with serine.
Molecular consequence: missense variant.
Genome position (GRCh38, 1-based): chr16:67,658,800, G>C on the plus strand (C>G on the coding strand, the complement: ACD is on the minus strand). VCF-style: chr16-67658800-G-C. GRCh37 (hg19) VCF-style: chr16-67692703-G-C.
Other names: c.662C>G, p.Thr221Ser (NM_001410884.1); c.653C>G, p.Thr218Ser (NM_022914.3); short protein forms T218S, T221S.
Identifiers: ClinVar variation 3261514 (VCV003261514.1).